The following is an entry in ClinVar:

NM_001098.3(ACO2):c.1906G>A (p.Val636Ile)

Genes: ACO2 (aconitase 2; plus strand), POLR3H (RNA polymerase III subunit H; minus strand). Cytogenetic location: 22q13.2.
Variant type: single nucleotide variant.
Coding change: c.1906G>A on transcript NM_001098.3 (MANE Select); coding-DNA position 1906, G replaced by A.
Protein change: p.Val636Ile; replaces valine 636 with isoleucine.
Molecular consequence: missense variant. On other transcripts: 3 prime UTR variant (5).
Genome position (GRCh38, 1-based): chr22:41,526,406, G>A. VCF-style: chr22-41526406-G-A. GRCh37 (hg19) VCF-style: chr22-41922410-G-A.
Other names: c.*2877C>T (NM_001018050.4, NM_001018052.4, NM_001282884.2 and 2 more transcripts); short protein forms V636I.
Identifiers: ClinVar variation 1422377 (VCV001422377.8), dbSNP rs1034275863, ClinGen allele CA324582300.

ClinVar aggregate classification (germline): Uncertain significance. Review status: criteria provided, multiple submitters, no conflicts (2 of 4 stars). 2 submissions from 2 submitters: Uncertain significance (2). Last evaluated 2025-10-27.

Allele frequency attached by ClinVar (database versions not stated): gnomAD 0.00001; gnomAD exomes 0.00001; TOPMed 0.00002.
gnomAD v4.1: 11 of 1,613,734 alleles (0.00068%); highest among the groups gnomAD compares: Middle Eastern, 0.017%; no homozygotes.

Submissions (2):

Labcorp Genetics (formerly Invitae), Labcorp
Classification: Uncertain significance. Last evaluated: 2025-10-27. Review status: criteria provided, single submitter. Criteria: Invitae Variant Classification Sherloc (09022015). Collection method: clinical testing. Allele origin: germline.
Comment: This sequence change replaces valine, which is neutral and non-polar, with isoleucine, which is neutral and non-polar, at codon 636 of the ACO2 protein (p.Val636Ile). This variant is present in population databases (no rsID available, gnomAD 0.01%). This variant has not been reported in the literature in individuals affected with ACO2-related conditions. ClinVar contains an entry for this variant (Variation ID: 1422377). Invitae Evidence Modeling of protein sequence and biophysical properties (such as structural, functional, and spatial information, amino acid conservation, physicochemical variation, residue mobility, and thermodynamic stability) indicates that this missense variant is not expected to disrupt ACO2 protein function with a negative predictive value of 80%. In summary, the available evidence is currently insufficient to determine the role of this variant in disease. Therefore, it has been classified as a Variant of Uncertain Significance.

Blueprint Genetics
Classification: Uncertain significance. Last evaluated: 2022-04-02. Review status: criteria provided, single submitter. Criteria: ACMG Guidelines, 2015. Collection method: clinical testing. Allele origin: germline.